The following is an entry in ClinVar:

ClinVar aggregate classification (germline): Uncertain significance. Review status: criteria provided, multiple submitters, no conflicts (2 of 4 stars). 4 submissions from 4 submitters: Uncertain significance (4). Last evaluated 2024-10-02.

Conditions:
Hereditary nonpolyposis colorectal neoplasms. Identifiers: MedGen C0009405, MeSH D003123.
Hereditary cancer-predisposing syndrome. Also called: Neoplastic Syndromes, Hereditary; Hereditary Cancer Syndrome; Hereditary neoplastic syndrome; Tumor predisposition. Identifiers: Orphanet 140162, MedGen C0027672, MeSH D009386, MONDO:0015356.

Submissions (4):

Labcorp Genetics (formerly Invitae), Labcorp
Classification: Uncertain significance for Hereditary nonpolyposis colorectal neoplasms. Last evaluated: 2024-10-02. Review status: criteria provided, single submitter. Criteria: Invitae Variant Classification Sherloc (09022015). Collection method: clinical testing. Allele origin: germline.
Comment: This sequence change replaces serine, which is neutral and polar, with phenylalanine, which is neutral and non-polar, at codon 631 of the MSH6 protein (p.Ser631Phe). This variant is not present in population databases (gnomAD no frequency). This variant has not been reported in the literature in individuals affected with MSH6-related conditions. ClinVar contains an entry for this variant (Variation ID: 2105921). Invitae Evidence Modeling of protein sequence and biophysical properties (such as structural, functional, and spatial information, amino acid conservation, physicochemical variation, residue mobility, and thermodynamic stability) indicates that this missense variant is not expected to disrupt MSH6 protein function with a negative predictive value of 95%. In summary, the available evidence is currently insufficient to determine the role of this variant in disease. Therefore, it has been classified as a Variant of Uncertain Significance.

Ambry Genetics
Classification: Uncertain significance for Hereditary cancer-predisposing syndrome. Last evaluated: 2024-03-08. Review status: criteria provided, single submitter. Criteria: Ambry Variant Classification Scheme 2023. Collection method: clinical testing. Allele origin: germline.
Comment: The p.S631F variant (also known as c.1892C>T), located in coding exon 4 of the MSH6 gene, results from a C to T substitution at nucleotide position 1892. The serine at codon 631 is replaced by phenylalanine, an amino acid with highly dissimilar properties. This amino acid position is conserved. In addition, this alteration is predicted to be tolerated by in silico analysis. Based on the available evidence, the clinical significance of this alteration remains unclear.

Quest Diagnostics Nichols Institute San Juan Capistrano
Classification: Uncertain significance. Last evaluated: 2023-04-15. Review status: criteria provided, single submitter. Criteria: Quest Diagnostics criteria. Collection method: clinical testing. Allele origin: unknown.
Comment: It has not been reported in large, multi-ethnic general populations. In a large-scale breast cancer association study, the variant was observed in an unaffected individual (PMID: 33471991 (2021), see also LOVD). Analysis of this variant using a bioinformatics tool for the prediction of the effect of amino acid changes on protein structure and function yielded a prediction that this variant is benign. Based on the available information, we are unable to determine the clinical significance of this variant.

GeneDx
Classification: Uncertain significance. Last evaluated: 2022-08-12. Review status: criteria provided, single submitter. Criteria: GeneDx Variant Classification Process June 2021. Collection method: clinical testing. Allele origin: germline. Affected: yes.
Comment: Not observed at significant frequency in large population cohorts (gnomAD); In silico analysis supports that this missense variant has a deleterious effect on protein structure/function; Has not been previously published as pathogenic or benign to our knowledge; This variant is associated with the following publications: (PMID: 17531815, 21120944)

Literature cited by the submitters: PubMed 33471991 (cited by Quest Diagnostics Nichols Institute San Juan Capistrano).

NM_000179.3(MSH6):c.1892C>T (p.Ser631Phe)

Gene: MSH6 (mutS homolog 6; plus strand). Cytogenetic location: 2p16.3.
Variant type: single nucleotide variant.
Coding change: c.1892C>T on transcript NM_000179.3 (MANE Select); coding-DNA position 1892, C replaced by T.
Protein change: p.Ser631Phe; replaces serine 631 with phenylalanine.
Molecular consequence: missense variant.
Genome position (GRCh38, 1-based): chr2:47,799,875, C>T. VCF-style: chr2-47799875-C-T. GRCh37 (hg19) VCF-style: chr2-48027014-C-T.
Other names: c.1502C>T, p.Ser501Phe (NM_001281492.2); c.986C>T, p.Ser329Phe (NM_001281493.2, NM_001281494.2, NM_001406811.1 and 6 more transcripts); c.1988C>T, p.Ser663Phe (NM_001406795.1, NM_001406802.1); c.1892C>T, p.Ser631Phe (NM_001406796.1, NM_001406798.1, NM_001406800.1 and 3 more transcripts); c.1595C>T, p.Ser532Phe (NM_001406797.1, NM_001406801.1, NM_001406805.1 and 10 more transcripts); c.1367C>T, p.Ser456Phe (NM_001406799.1, NM_001406806.1, NM_001406807.1); c.1814C>T, p.Ser605Phe (NM_001406804.1); c.1898C>T, p.Ser633Phe (NM_001406813.1); and 1 more; short protein forms S631F, S532F, S605F, S663F, S575F, S633F, S329F, S456F.
Identifiers: ClinVar variation 2105921 (VCV002105921.7), dbSNP rs1159989759, ClinGen allele CA346750046.